The following is an entry in ClinVar:

NM_006269.2(RP1):c.1391T>C (p.Ile464Thr)

Gene: RP1 (RP1 axonemal microtubule associated; plus strand). Cytogenetic location: 8q12.1.
Variant type: single nucleotide variant.
Coding change: c.1391T>C on transcript NM_006269.2 (MANE Select); coding-DNA position 1391, T replaced by C.
Protein change: p.Ile464Thr; replaces isoleucine 464 with threonine.
Molecular consequence: missense variant. On other transcripts: intron variant (1).
Genome position (GRCh38, 1-based): chr8:54,625,273, T>C. VCF-style: chr8-54625273-T-C. GRCh37 (hg19) VCF-style: chr8-55537833-T-C.
Other names: c.787+2985T>C (NM_001375654.1); short protein forms I464T.
Identifiers: ClinVar variation 1963021 (VCV001963021.5), dbSNP rs1474961409, ClinGen allele CA370990193.
Genomic context (GRCh38, chr8:54,625,273, plus strand): 5'-ATCGTTTTTATAGGCCCCCTACACCTGGACTAAGAAGAGTGAGACAAAAGAAATCTGTGA[T>C]TGGCAGTGTGACCTTAGTATCTGAAACTGAGGTTCAAGAGAAAATGATTGGACAGTTTTC-3'
Protein context (NP_006260.1, residues 454-474): LRRVRQKKSV[Ile464Thr]GSVTLVSETE

ClinVar aggregate classification (germline): Uncertain significance (1 of 4 stars; one submission).

Allele frequency attached by ClinVar (database versions not stated): gnomAD 0.00001; gnomAD exomes below 0.00001; TOPMed 0.00001.
gnomAD v4.1: 5 of 1,614,070 alleles (0.00031%); highest among the groups gnomAD compares: Non-Finnish European, 0.00042%; no homozygotes.

Submission:

Labcorp Genetics (formerly Invitae), Labcorp
Classification: Uncertain significance. Last evaluated: 2025-03-31. Review status: criteria provided, single submitter. Criteria: Invitae Variant Classification Sherloc (09022015). Collection method: clinical testing. Allele origin: germline.
Comment: This sequence change replaces isoleucine, which is neutral and non-polar, with threonine, which is neutral and polar, at codon 464 of the RP1 protein (p.Ile464Thr). This variant is present in population databases (no rsID available, gnomAD 0.0009%). This variant has not been reported in the literature in individuals affected with RP1-related conditions. ClinVar contains an entry for this variant (Variation ID: 1963021). An algorithm developed to predict the effect of missense changes on protein structure and function (PolyPhen-2) suggests that this variant is likely to be disruptive. In summary, the available evidence is currently insufficient to determine the role of this variant in disease. Therefore, it has been classified as a Variant of Uncertain Significance.